The following is an entry in ClinVar:

NM_000260.4(MYO7A):c.4404G>C (p.Leu1468Phe)

Gene: MYO7A (myosin VIIA; plus strand). Cytogenetic location: 11q13.5.
Variant type: single nucleotide variant.
Coding change: c.4404G>C on transcript NM_000260.4 (MANE Select); coding-DNA position 4404, G replaced by C.
Protein change: p.Leu1468Phe; replaces leucine 1468 with phenylalanine.
Molecular consequence: missense variant.
Genome position (GRCh38, 1-based): chr11:77,197,561, G>C. VCF-style: chr11-77197561-G-C. GRCh37 (hg19) VCF-style: chr11-76908606-G-C.
Other names: c.4404G>C, p.Leu1468Phe (NM_001127180.2); c.4371G>C, p.Leu1457Phe (NM_001369365.1); short protein forms L1457F, L1468F.
Identifiers: ClinVar variation 1410147 (VCV001410147.6), dbSNP rs775096835, ClinGen allele CA381950102.

ClinVar aggregate classification (germline): Uncertain significance (1 of 4 stars; one submission).

Submission:

Labcorp Genetics (formerly Invitae), Labcorp
Classification: Uncertain significance. Last evaluated: 2021-12-19. Review status: criteria provided, single submitter. Criteria: Invitae Variant Classification Sherloc (09022015). Collection method: clinical testing. Allele origin: germline.
Comment: In summary, the available evidence is currently insufficient to determine the role of this variant in disease. Therefore, it has been classified as a Variant of Uncertain Significance. Advanced modeling of protein sequence and biophysical properties (such as structural, functional, and spatial information, amino acid conservation, physicochemical variation, residue mobility, and thermodynamic stability) performed at Invitae indicates that this missense variant is expected to disrupt MYO7A protein function. This variant has not been reported in the literature in individuals affected with MYO7A-related conditions. This variant is not present in population databases (gnomAD no frequency). This sequence change replaces leucine, which is neutral and non-polar, with phenylalanine, which is neutral and non-polar, at codon 1468 of the MYO7A protein (p.Leu1468Phe).